The following is an entry in ClinVar:

ClinVar aggregate classification (germline): Likely pathogenic (1 of 4 stars; one submission).

Conditions:
Parathyroid carcinoma (PRTC). Also called: Parathyroid gland carcinoma; CDC73-Related Parathyroid Carcinoma. Identifiers: Orphanet 143, MedGen C0687150, MONDO:0012004, OMIM 608266, HP:0006780.

Submission:

Labcorp Genetics (formerly Invitae), Labcorp
Classification: Likely pathogenic for Parathyroid carcinoma. Last evaluated: 2016-11-22. Review status: criteria provided, single submitter. Criteria: Invitae Variant Classification Sherloc (09022015). Collection method: clinical testing. Allele origin: germline.
Comment: This variant is a gross duplication of the genomic region encompassing exons 11-15 of the CDC73 gene. While the exact position of the duplicated exons cannot be determined from this data, the duplicated copy of this region is likely in tandem and may result in an absent or disrupted protein product. While this particular variant has not been reported in the literature, loss-of-function variants in CDC73 are known to be pathogenic (PMID: 12434154). Experimental studies have not been reported for this copy number gain and it is currently uncertain if it results in a disrupted protein. In summary, sub-genic duplications are generally in tandem (PMID: 25640679), and result in an absent or disrupted protein. However, the exact location of this duplication has not been confirmed. Therefore, it has been classified as Likely Pathogenic.

NC_000001.10:g.(?_193172925)_(193205486_?)dup

Genes: CDC73 (cell division cycle 73; plus strand), LOC129932147 (ATAC-STARR-seq lymphoblastoid active region 2269; plus strand). Cytogenetic location: 1q31.2.
Variant type: Duplication.
Identifiers: ClinVar variation 417320 (VCV000417320.1).